The following is an entry in ClinVar:

ClinVar aggregate classification (germline): Uncertain significance (1 of 4 stars; one submission).

Conditions:
Familial focal epilepsy with variable foci (FPEVF). Identifiers: Orphanet 98820, MedGen C1858477, MONDO:0020310.

Submission:

Labcorp Genetics (formerly Invitae), Labcorp
Classification: Uncertain significance for Familial focal epilepsy with variable foci. Last evaluated: 2024-06-10. Review status: criteria provided, single submitter. Criteria: Invitae Variant Classification Sherloc (09022015). Collection method: clinical testing. Allele origin: germline.
Comment: This sequence change replaces lysine, which is basic and polar, with threonine, which is neutral and polar, at codon 319 of the DEPDC5 protein (p.Lys319Thr). This variant is not present in population databases (gnomAD no frequency). This variant has not been reported in the literature in individuals affected with DEPDC5-related conditions. Experimental studies and prediction algorithms are not available or were not evaluated, and the functional significance of this variant is currently unknown. In summary, the available evidence is currently insufficient to determine the role of this variant in disease. Therefore, it has been classified as a Variant of Uncertain Significance.

NM_001242896.3(DEPDC5):c.956A>C (p.Lys319Thr)

Gene: DEPDC5 (DEP domain containing 5, GATOR1 subcomplex subunit; plus strand). Cytogenetic location: 22q12.3.
Variant type: single nucleotide variant.
Coding change: c.956A>C on transcript NM_001242896.3 (MANE Select); coding-DNA position 956, A replaced by C.
Protein change: p.Lys319Thr; replaces lysine 319 with threonine.
Molecular consequence: missense variant. On other transcripts: non-coding transcript variant (5).
Genome position (GRCh38, 1-based): chr22:31,802,713, A>C. VCF-style: chr22-31802713-A-C. GRCh37 (hg19) VCF-style: chr22-32198699-A-C.
Other names: c.956A>C, p.Lys319Thr (NM_001007188.4, NM_001136029.4, NM_001242897.2 and 7 more transcripts); c.872A>C, p.Lys291Thr (NM_001369901.1, NM_001369902.1); short protein forms K319T, K291T.
Identifiers: ClinVar variation 3656111 (VCV003656111.2).
Genomic context (GRCh38, chr22:31,802,713, plus strand): 5'-GTTCTGAAAAGCTGTAACATCATTATTGTGGAATTTTTGTTTTATTTCTAGTGTTTGATA[A>C]GCACTACATCAACCGCAACTTTGACCGAACTGGGCAGATGTCAGTGGTGATCACGCCCGG-3'
Protein context (NP_001229825.1, residues 309-329): AINLSFNVFD[Lys319Thr]HYINRNFDRT